The following is an entry in ClinVar:

ClinVar aggregate classification (germline): Pathogenic (1 of 4 stars; one submission).

Submission:

CeGaT Center for Human Genetics Tuebingen
Classification: Pathogenic. Last evaluated: 2025-11-01. Review status: criteria provided, single submitter. Criteria: CeGaT Center For Human Genetics Tuebingen Variant Classification Criteria Version 2. Collection method: clinical testing. Allele origin: germline. Affected: yes. Observed: 2 variant alleles.
Comment: SLC16A2: PVS1, PM2

NM_006517.5(SLC16A2):c.166del (p.Gln56fs)

Gene: SLC16A2 (solute carrier family 16 member 2; plus strand). Cytogenetic location: Xq13.2.
Variant type: Deletion.
Coding change: c.166del on transcript NM_006517.5 (MANE Select); coding-DNA position 166, one base deleted (C; older notation c.166delC).
Protein change: p.Gln56fs; shifts the reading frame from glutamine 56.
Molecular consequence: frameshift variant.
Genome position (GRCh38, 1-based): chrX:74,421,803, C deleted; the last of 4 consecutive C bases (chrX:74,421,800-74,421,803); deleting any one gives the same sequence. VCF-style (leftmost placement, unchanged base first): chrX-74421799-GC-G. GRCh37 (hg19) VCF-style: chrX-73641634-GC-G.
Other names: short protein forms Q56fs.
Identifiers: ClinVar variation 4085982 (VCV004085982.8).